The following is an entry in ClinVar:

NM_000215.4(JAK3):c.773_775del (p.Leu258del)

Gene: JAK3 (Janus kinase 3; minus strand). Cytogenetic location: 19p13.11.
Variant type: Deletion.
Coding change: c.773_775del on transcript NM_000215.4 (MANE Select); coding-DNA positions 773 to 775, 3 bases deleted (TCC; older notation c.773_775delTCC).
Protein change: p.Leu258del; deletes leucine 258.
Molecular consequence: inframe deletion.
Genome position (GRCh38, 1-based): chr19:17,842,402-17,842,404, GGA deleted on the plus strand (TCC on the coding strand, the reverse complement: JAK3 is on the minus strand); deleting any 3 consecutive bases within chr19:17,842,402-17,842,406 gives the same sequence; the c. name uses the placement nearest the transcript's 3' end. VCF-style (leftmost placement, unchanged base first): chr19-17842401-GGGA-G. GRCh37 (hg19) VCF-style: chr19-17953210-GGGA-G.
Other names: short protein forms L258del.
Identifiers: ClinVar variation 1952464 (VCV001952464.2), dbSNP rs2514575091, ClinGen allele CA2580096722.

ClinVar aggregate classification (germline): Uncertain significance (1 of 4 stars; one submission).

Conditions:
T-B+ severe combined immunodeficiency due to JAK3 deficiency. Also called: SCID, T CELL-NEGATIVE, B CELL-POSITIVE, NK CELL-NEGATIVE; SCID, autosomal recessive, T-negative/B-positive type. Identifiers: Orphanet 35078, MedGen C1833275, MONDO:0010938, OMIM 600802.

Submission:

Labcorp Genetics (formerly Invitae), Labcorp
Classification: Uncertain significance for T-B+ severe combined immunodeficiency due to JAK3 deficiency. Last evaluated: 2022-05-20. Review status: criteria provided, single submitter. Criteria: Invitae Variant Classification Sherloc (09022015). Collection method: clinical testing. Allele origin: germline.
Comment: This variant, c.773_775del, results in the deletion of 1 amino acid(s) of the JAK3 protein (p.Leu258del), but otherwise preserves the integrity of the reading frame. This variant is not present in population databases (gnomAD no frequency). This variant has not been reported in the literature in individuals affected with JAK3-related conditions. Experimental studies and prediction algorithms are not available or were not evaluated, and the functional significance of this variant is currently unknown. In summary, the available evidence is currently insufficient to determine the role of this variant in disease. Therefore, it has been classified as a Variant of Uncertain Significance.